The following is an entry in ClinVar:

ClinVar aggregate classification (germline): Pathogenic (1 of 4 stars; one submission).

Conditions:
Autosomal recessive polycystic kidney disease (ARPKD). Also called: AR polycystic kidney disease. Identifiers: Orphanet 731, Orphanet 8378, MedGen C0085548, MeSH D017044, MONDO:0009889.

Submission:

Labcorp Genetics (formerly Invitae), Labcorp
Classification: Pathogenic for Autosomal recessive polycystic kidney disease. Last evaluated: 2023-03-08. Review status: criteria provided, single submitter. Criteria: Invitae Variant Classification Sherloc (09022015). Collection method: clinical testing. Allele origin: germline.
Comment: This variant is not present in population databases (gnomAD no frequency). This sequence change creates a premature translational stop signal (p.Arg1556Glufs*36) in the PKHD1 gene. It is expected to result in an absent or disrupted protein product. Loss-of-function variants in PKHD1 are known to be pathogenic (PMID: 19940839). This variant has not been reported in the literature in individuals affected with PKHD1-related conditions. For these reasons, this variant has been classified as Pathogenic.

Literature cited by the submitters: PubMed 19940839.

NM_138694.4(PKHD1):c.4666del (p.Arg1556fs)

Genes: PKHD1 (PKHD1 ciliary IPT domain containing fibrocystin/polyductin; minus strand), LOC126859690 (MED14-independent group 3 enhancer GRCh37_chr6:51888848-51890047; plus strand). Cytogenetic location: 6p12.2.
Variant type: Deletion.
Coding change: c.4666del on transcript NM_138694.4 (MANE Select); coding-DNA position 4666, one base deleted (A; older notation c.4666delA).
Protein change: p.Arg1556fs; shifts the reading frame from arginine 1556.
Molecular consequence: frameshift variant.
Genome position (GRCh38, 1-based): chr6:52,025,144, T deleted on the plus strand (A on the coding strand, the reverse complement: PKHD1 is on the minus strand); the first of 2 consecutive T bases (chr6:52,025,144-52,025,145); deleting either gives the same sequence. VCF-style (leftmost placement, unchanged base first): chr6-52025143-CT-C. GRCh37 (hg19) VCF-style: chr6-51889941-CT-C.
Other names: c.4666del, p.Arg1556fs (NM_170724.3); short protein forms R1556fs.
Identifiers: ClinVar variation 2843807 (VCV002843807.3), dbSNP rs2532703067, ClinGen allele CA2739273114.